The following is an entry in ClinVar:

ClinVar aggregate classification (germline): Conflicting classifications of pathogenicity. Review status: criteria provided, conflicting classifications (1 of 4 stars). 2 submissions from 2 submitters: Pathogenic (1); Uncertain significance (1). Last evaluated 2023-11-07.

Submissions (2):

Athena Diagnostics
Classification: Pathogenic. Last evaluated: 2023-11-07. Review status: criteria provided, single submitter. Criteria: Athena Diagnostics Criteria. Collection method: clinical testing. Allele origin: unknown.
Comment: This variant has been identified in at least one individual with clinical features associated with this gene. This variant has not been reported in large, multi-ethnic general populations. This variant alters a critical location within the protein, and is expected to severely affect function and cause disease. Computational tools predict that this variant is damaging. Greater than 90% of NOTCH3 pathogenic variants associated with CADASIL involve the gain or loss of a cysteine residue within the epidermal growth factor (EGF)-like repeat domain (PMID: 32457593, 20301673).

Labcorp Genetics (formerly Invitae), Labcorp
Classification: Uncertain significance. Last evaluated: 2020-12-20. Review status: criteria provided, single submitter. Criteria: Invitae Variant Classification Sherloc (09022015). Collection method: clinical testing. Allele origin: germline.
Comment: This variant has not been reported in the literature in individuals with NOTCH3-related conditions. In summary, the available evidence is currently insufficient to determine the role of this variant in disease. Therefore, it has been classified as a Variant of Uncertain Significance. Advanced modeling of protein sequence and biophysical properties (such as structural, functional, and spatial information, amino acid conservation, physicochemical variation, residue mobility, and thermodynamic stability) performed at Invitae indicates that this missense variant is expected to disrupt NOTCH3 protein function. This variant is not present in population databases (ExAC no frequency). This sequence change replaces cysteine with serine at codon 1022 of the NOTCH3 protein (p.Cys1022Ser). The cysteine residue is highly conserved and there is a moderate physicochemical difference between cysteine and serine.

NM_000435.3(NOTCH3):c.3064T>A (p.Cys1022Ser)

Gene: NOTCH3 (notch receptor 3; minus strand). Cytogenetic location: 19p13.12.
Variant type: single nucleotide variant.
Coding change: c.3064T>A on transcript NM_000435.3 (MANE Select); coding-DNA position 3064, T replaced by A.
Protein change: p.Cys1022Ser; replaces cysteine 1022 with serine.
Molecular consequence: missense variant.
Genome position (GRCh38, 1-based): chr19:15,180,759, A>T on the plus strand (T>A on the coding strand, the complement: NOTCH3 is on the minus strand). VCF-style: chr19-15180759-A-T. GRCh37 (hg19) VCF-style: chr19-15291570-A-T.
Other names: short protein forms C1022S.
Identifiers: ClinVar variation 995050 (VCV000995050.11), dbSNP rs2046833026, ClinGen allele CA404514279.
Genomic context (GRCh38, chr19:15,180,759, plus strand): 5'-CCCTGCAGGGCAAGCTTCGGATGTCACAGAGGCGTCCGCTCCATCCAGGGGGACAAAGGC[A>T]ATAGGCCCCAGTCTGGACGCAGCGACCCCCGTTTTGACAAGGCTGGCGGCTGCACCAATC-3'
Protein context (NP_000426.2, residues 1012-1032): GGRCVQTGAY[Cys1022Ser]LCPPGWSGRL